The following is an entry in ClinVar:

NM_014244.5(ADAMTS2):c.3343G>A (p.Asp1115Asn)

Gene: ADAMTS2 (ADAM metallopeptidase with thrombospondin type 1 motif 2; minus strand). Cytogenetic location: 5q35.3.
Variant type: single nucleotide variant.
Coding change: c.3343G>A on transcript NM_014244.5 (MANE Select); coding-DNA position 3343, G replaced by A.
Protein change: p.Asp1115Asn; replaces aspartic acid 1115 with asparagine.
Molecular consequence: missense variant.
Genome position (GRCh38, 1-based): chr5:179,114,160, C>T on the plus strand (G>A on the coding strand, the complement: ADAMTS2 is on the minus strand). VCF-style: chr5-179114160-C-T. GRCh37 (hg19) VCF-style: chr5-178541161-C-T.
Other names: short protein forms D1115N.
Identifiers: ClinVar variation 546992 (VCV000546992.50), dbSNP rs200022037, ClinGen allele CA3595251.

ClinVar aggregate classification (germline): Conflicting classifications of pathogenicity. Review status: criteria provided, conflicting classifications (1 of 4 stars). 6 submissions from 6 submitters: Uncertain significance (4); Likely benign (1). 1 of the submissions does not count toward it. Last evaluated 2025-11-13.

Conditions:
Ehlers-Danlos syndrome, dermatosparaxis type. Also called: EDS VIIC; Dermatosparaxis; Ehlers-Danlos syndrome, type VII, autosomal recessive. Identifiers: Orphanet 1901, MedGen C2700425, MONDO:0009161, OMIM 225410.

Allele frequency attached by ClinVar (database versions not stated): ExAC 0.00007; gnomAD exomes 0.00012 and 0.00014; 1000 Genomes Project 0.00040; TOPMed 0.00043; 1000 Genomes Project 30x 0.00047; gnomAD 0.00020 and 0.00021.
gnomAD v4.1: 233 of 1,612,558 alleles (0.014%); highest among the groups gnomAD compares: Admixed American, 0.035%; 2 homozygotes.

Submissions (6):

Women's Health and Genetics/Laboratory Corporation of America, LabCorp
Classification: Uncertain significance. Last evaluated: 2025-11-13. Review status: criteria provided, single submitter. Criteria: LabCorp Variant Classification Summary - May 2015. Collection method: clinical testing. Allele origin: germline.
Comment: Variant summary: ADAMTS2 c.3343G>A (p.Asp1115Asn) results in a conservative amino acid change in the encoded protein sequence. Algorithms developed to predict the effect of missense changes on protein structure and function all suggest that this variant is likely to be tolerated. The variant allele was found at a frequency of 0.00012 in 250914 control chromosomes. This frequency is not significantly higher than estimated for disease-causing variants in ADAMTS2, allowing no conclusion about variant significance. To our knowledge, no occurrence of c.3343G>A in individuals affected with ADAMTS2-related conditions and no experimental evidence demonstrating its impact on protein function have been reported. ClinVar contains an entry for this variant (Variation ID: 546992). Based on the evidence outlined above, the variant was classified as uncertain significance.

Blueprint Genetics
Classification: Likely benign. Last evaluated: 2024-09-04. Review status: criteria provided, single submitter. Criteria: ACMG Guidelines, 2015. Collection method: clinical testing. Allele origin: germline.

Labcorp Genetics (formerly Invitae), Labcorp
Classification: Uncertain significance for Ehlers-Danlos syndrome, dermatosparaxis type. Last evaluated: 2022-09-01. Review status: criteria provided, single submitter. Criteria: Invitae Variant Classification Sherloc (09022015). Collection method: clinical testing. Allele origin: germline.
Comment: This sequence change replaces aspartic acid, which is acidic and polar, with asparagine, which is neutral and polar, at codon 1115 of the ADAMTS2 protein (p.Asp1115Asn). This variant is present in population databases (rs200022037, gnomAD 0.02%). This variant has not been reported in the literature in individuals affected with ADAMTS2-related conditions. ClinVar contains an entry for this variant (Variation ID: 546992). Algorithms developed to predict the effect of missense changes on protein structure and function (SIFT, PolyPhen-2, Align-GVGD) all suggest that this variant is likely to be tolerated. In summary, the available evidence is currently insufficient to determine the role of this variant in disease. Therefore, it has been classified as a Variant of Uncertain Significance.

GeneDx
Classification: Uncertain significance. Last evaluated: 2021-02-12. Review status: criteria provided, single submitter. Criteria: GeneDx Variant Classification Process June 2021. Collection method: clinical testing. Allele origin: germline. Affected: yes.
Comment: In silico analysis supports that this missense variant does not alter protein structure/function; Has not been previously published as pathogenic or benign to our knowledge

CeGaT Center for Human Genetics Tuebingen
Classification: Uncertain significance. Last evaluated: 2018-01-01. Review status: criteria provided, single submitter. Criteria: CeGaT Center For Human Genetics Tuebingen Variant Classification Criteria Version 2. Collection method: clinical testing. Allele origin: germline. Affected: yes. Observed: 1 variant allele.

Natera, Inc.
Classification: Uncertain significance for Ehlers-Danlos syndrome type VIIC. Last evaluated: 2020-01-17. Review status: no assertion criteria provided. Collection method: clinical testing. Allele origin: germline. Not counted in ClinVar's aggregate classification.